The following is an entry in ClinVar:

ClinVar aggregate classification (germline): Uncertain significance (1 of 4 stars; one submission).

Conditions:
Niemann-Pick disease, type C1. Also called: NEUROVISCERAL STORAGE DISEASE WITH VERTICAL SUPRANUCLEAR OPHTHALMOPLEGIA; NIEMANN-PICK DISEASE WITH CHOLESTEROL ESTERIFICATION BLOCK; NIEMANN-PICK DISEASE WITHOUT SPHINGOMYELINASE DEFICIENCY; NIEMANN-PICK DISEASE, CHRONIC NEURONOPATHIC FORM; NIEMANN-PICK DISEASE, VARIANT TYPE C1. Identifiers: Orphanet 646, MedGen C3179455, MONDO:0009757, OMIM 257220.

Allele frequency attached by ClinVar (database versions not stated): gnomAD exomes below 0.00001.
gnomAD v4.1: 1 of 1,608,256 alleles (0.000062%); highest among the groups gnomAD compares: Admixed American, 0.0017%; no homozygotes.

Submission:

Labcorp Genetics (formerly Invitae), Labcorp
Classification: Uncertain significance for Niemann-Pick disease, type C1. Last evaluated: 2024-10-07. Review status: criteria provided, single submitter. Criteria: Invitae Variant Classification Sherloc (09022015). Collection method: clinical testing. Allele origin: germline.
Comment: This sequence change falls in intron 23 of the NPC1 gene. It does not directly change the encoded amino acid sequence of the NPC1 protein. It affects a nucleotide within the consensus splice site. This variant is present in population databases (no rsID available, gnomAD 0.003%). This variant has been observed in individual(s) with Niemann-Pick disease type C (PMID: 11349231). ClinVar contains an entry for this variant (Variation ID: 2138131). Variants that disrupt the consensus splice site are a relatively common cause of aberrant splicing (PMID: 17576681, 9536098). Algorithms developed to predict the effect of sequence changes on RNA splicing suggest that this variant may disrupt the consensus splice site. In summary, the available evidence is currently insufficient to determine the role of this variant in disease. Therefore, it has been classified as a Variant of Uncertain Significance.

Literature cited by the submitters: PubMed 11349231; PubMed 17576681; PubMed 9536098.

NM_000271.5(NPC1):c.3591+3G>C

Gene: NPC1 (NPC intracellular cholesterol transporter 1; minus strand). Cytogenetic location: 18q11.2.
Variant type: single nucleotide variant.
Coding change: c.3591+3G>C on transcript NM_000271.5 (MANE Select); 3 bases into the intron after coding-DNA position 3591, G replaced by C.
Molecular consequence: intron variant.
Genome position (GRCh38, 1-based): chr18:23,534,443, C>G on the plus strand (G>C on the coding strand, the complement: NPC1 is on the minus strand). VCF-style: chr18-23534443-C-G. GRCh37 (hg19) VCF-style: chr18-21114407-C-G.
Identifiers: ClinVar variation 2138131 (VCV002138131.2), dbSNP rs1249178029, ClinGen allele CA628677482.